The following is an entry in ClinVar:

NC_000005.9:g.(?_1279790)_(1280463_?)del

Gene: TERT (telomerase reverse transcriptase; minus strand). Cytogenetic location: 5p15.33.
Variant type: Deletion.
Identifiers: ClinVar variation 3246395 (VCV003246395.1).

ClinVar aggregate classification (germline): Pathogenic (1 of 4 stars; one submission).

Conditions:
Idiopathic Pulmonary Fibrosis. Also called: Idiopathic fibrosing alveolitis, chronic form; idiopathic fibrosing alveolitis. Identifiers: Orphanet 2032, MedGen C1800706, MeSH D054990, MONDO:0800504.
Dyskeratosis congenita, autosomal dominant 2. Identifiers: MedGen C3151443, MONDO:0013521, OMIM 613989.

Submission:

Labcorp Genetics (formerly Invitae), Labcorp
Classification: Pathogenic for Dyskeratosis congenita, autosomal dominant 2; Idiopathic Pulmonary Fibrosis. Last evaluated: 2023-06-16. Review status: criteria provided, single submitter. Criteria: Invitae Variant Classification Sherloc (09022015). Collection method: clinical testing. Allele origin: unknown.
Comment: For these reasons, this variant has been classified as Pathogenic. This variant has not been reported in the literature in individuals affected with TERT-related conditions. This variant is a gross deletion of the genomic region encompassing exon(s) 4 of the TERT gene. This deletion is out-of-frame, and is expected to create a premature termination codon and result in an absent or disrupted protein product. Loss-of-function variants in TERT are known to be pathogenic (PMID: 16247010, 17460043).

Literature cited by the submitters: PubMed 16247010; PubMed 17460043.